The following is an entry in ClinVar:

NM_001079872.2(CUL4B):c.183C>T (p.Thr61=)

Genes: CUL4B (cullin 4B; minus strand), LOC113845788 (Sharpr-MPRA regulatory region 11856; plus strand). Cytogenetic location: Xq24.
Variant type: single nucleotide variant.
Coding change: c.183C>T on transcript NM_001079872.2 (MANE Select); coding-DNA position 183, C replaced by T.
Protein change: p.Thr61=; no amino-acid change (threonine 61 retained).
Molecular consequence: synonymous variant.
Genome position (GRCh38, 1-based): chrX:120,560,456, G>A on the plus strand (C>T on the coding strand, the complement: CUL4B is on the minus strand). VCF-style: chrX-120560456-G-A. GRCh37 (hg19) VCF-style: chrX-119694311-G-A.
Other names: c.198C>T, p.Thr66= (NM_001330624.2); c.237C>T, p.Thr79= (NM_003588.4).
Identifiers: ClinVar variation 4985612 (VCV004985612.1).

ClinVar aggregate classification (germline): Likely benign (1 of 4 stars; one submission).

Conditions:
CUL4B-related disorder. Also called: CUL4B-related condition.

gnomAD v4.1: 2 of 1,207,465 alleles (0.00017%); highest among the groups gnomAD compares: Non-Finnish European, 0.00011%; no homozygotes.

Submission:

PreventionGenetics, part of Exact Sciences
Classification: Likely benign for CUL4B-related condition. Last evaluated: 2026-07-24. Review status: criteria provided, single submitter. Criteria: ACMG Guidelines, 2015. Collection method: clinical testing. Allele origin: germline.
Comment: This variant is classified as likely benign based on ACMG/AMP sequence variant interpretation guidelines (Richards et al. 2015 PMID: 25741868, with internal and published modifications).